The following is an entry in ClinVar:

ClinVar aggregate classification (germline): Uncertain significance (1 of 4 stars; one submission).

Conditions:
Inflammatory bowel disease 28. Also called: Inflammatory bowel disease 28, early onset, autosomal recessive. Identifiers: Orphanet 238569, MedGen C2751053, MONDO:0013153, OMIM 613148.

Allele frequency attached by ClinVar (database versions not stated): TOPMed below 0.00001; ExAC 0.00001; gnomAD 0.00001; gnomAD exomes 0.00002.
gnomAD v4.1: 10 of 1,613,972 alleles (0.00062%); highest among the groups gnomAD compares: Non-Finnish European, 0.00068%; no homozygotes.

Submission:

Labcorp Genetics (formerly Invitae), Labcorp
Classification: Uncertain significance for Inflammatory bowel disease 28. Last evaluated: 2022-05-02. Review status: criteria provided, single submitter. Criteria: Invitae Variant Classification Sherloc (09022015). Collection method: clinical testing. Allele origin: germline.
Comment: This sequence change replaces glutamic acid, which is acidic and polar, with glycine, which is neutral and non-polar, at codon 158 of the IL10RA protein (p.Glu158Gly). This variant is present in population databases (rs748829818, gnomAD 0.002%). This variant has not been reported in the literature in individuals affected with IL10RA-related conditions. ClinVar contains an entry for this variant (Variation ID: 665932). Algorithms developed to predict the effect of missense changes on protein structure and function are either unavailable or do not agree on the potential impact of this missense change (SIFT: "Deleterious"; PolyPhen-2: "Probably Damaging"; Align-GVGD: "Class C0"). In summary, the available evidence is currently insufficient to determine the role of this variant in disease. Therefore, it has been classified as a Variant of Uncertain Significance.

NM_001558.4(IL10RA):c.473A>G (p.Glu158Gly)

Gene: IL10RA (interleukin 10 receptor subunit alpha; plus strand). Cytogenetic location: 11q23.3.
Variant type: single nucleotide variant.
Coding change: c.473A>G on transcript NM_001558.4 (MANE Select); coding-DNA position 473, A replaced by G.
Protein change: p.Glu158Gly; replaces glutamic acid 158 with glycine.
Molecular consequence: missense variant. On other transcripts: non-coding transcript variant (1).
Genome position (GRCh38, 1-based): chr11:117,993,346, A>G. VCF-style: chr11-117993346-A-G. GRCh37 (hg19) VCF-style: chr11-117864061-A-G.
Other names: short protein forms E158G.
Identifiers: ClinVar variation 665932 (VCV000665932.6), dbSNP rs748829818, ClinGen allele CA6298955.